The following is an entry in ClinVar:

NM_000071.3(CBS):c.887C>G (p.Thr296Arg)

Gene: CBS (cystathionine beta-synthase; minus strand). Cytogenetic location: 21q22.3.
Variant type: single nucleotide variant.
Coding change: c.887C>G on transcript NM_000071.3 (MANE Select); coding-DNA position 887, C replaced by G.
Protein change: p.Thr296Arg; replaces threonine 296 with arginine.
Molecular consequence: missense variant.
Genome position (GRCh38, 1-based): chr21:43,063,020, G>C on the plus strand (C>G on the coding strand, the complement: CBS is on the minus strand). VCF-style: chr21-43063020-G-C. GRCh37 (hg19) VCF-style: chr21-44483130-G-C.
Other names: c.887C>G, p.Thr296Arg (NM_001178008.3, NM_001178009.3, NM_001320298.2); c.572C>G, p.Thr191Arg (NM_001321072.1); short protein forms T191R, T296R.
Identifiers: ClinVar variation 897572 (VCV000897572.6), dbSNP rs562530775, ClinGen allele CA321091411.
Genomic context (GRCh38, chr21:43,063,020, plus strand): 5'-TCCAGCACCGTGGGGATGAAGTCGTAGCCGATCCCTTCCACCTCGTAGGTTGTCTGCTCC[G>C]TCTGGTTCAGCTCCTCCGGCTCTGCGAGGATGGACCCTTCGGGATCCACCCCAATGATCT-3'
Protein context (NP_000062.1, residues 286-306): ILAEPEELNQ[Thr296Arg]EQTTYEVEGI

ClinVar aggregate classification (germline): Uncertain significance. Review status: criteria provided, multiple submitters, no conflicts (2 of 4 stars). 2 submissions from 2 submitters: Uncertain significance (2). Last evaluated 2023-05-03.

Conditions:
Familial thoracic aortic aneurysm and aortic dissection (TAAD). Also called: Thoracic aortic aneurysms and dissections. Identifiers: Orphanet 91387, MedGen C4707243, MONDO:0019625.
Classic homocystinuria. Also called: Homocystinuria due to CBS deficiency; Cystathionine beta-synthase deficiency; CBS deficiency; Homocystinuria due to Cystathionine Beta-Synthase Deficiency; HOMOCYSTINURIA WITH OR WITHOUT RESPONSE TO PYRIDOXINE. Identifiers: Orphanet 394, MedGen C0751202, MONDO:0009352, OMIM 236200.

Submissions (2):

Ambry Genetics
Classification: Uncertain significance for Familial thoracic aortic aneurysm and aortic dissection. Last evaluated: 2023-05-03. Review status: criteria provided, single submitter. Criteria: Ambry Variant Classification Scheme 2023. Collection method: clinical testing. Allele origin: germline.
Comment: The p.T296R variant (also known as c.887C>G), located in coding exon 8 of the CBS gene, results from a C to G substitution at nucleotide position 887. The threonine at codon 296 is replaced by arginine, an amino acid with similar properties. This amino acid position is conserved. In addition, the in silico prediction for this alteration is inconclusive. Since supporting evidence is limited at this time, the clinical significance of this alteration remains unclear.

Illumina Laboratory Services, Illumina
Classification: Uncertain significance for Classic homocystinuria. Last evaluated: 2017-04-27. Review status: criteria provided, single submitter. Criteria: ICSL Variant Classification Criteria 13 December 2019. Collection method: clinical testing. Allele origin: germline.